The following is an entry in ClinVar:

NM_033419.5(PGAP3):c.477G>C (p.Arg159Ser)

Gene: PGAP3 (post-GPI attachment to proteins phospholipase 3; minus strand). Cytogenetic location: 17q12.
Variant type: single nucleotide variant.
Coding change: c.477G>C on transcript NM_033419.5 (MANE Select); coding-DNA position 477, G replaced by C.
Protein change: p.Arg159Ser; replaces arginine 159 with serine.
Molecular consequence: missense variant. On other transcripts: intron variant (3).
Genome position (GRCh38, 1-based): chr17:39,674,635, C>G on the plus strand (G>C on the coding strand, the complement: PGAP3 is on the minus strand). VCF-style: chr17-39674635-C-G. GRCh37 (hg19) VCF-style: chr17-37830888-C-G.
Other names: c.324G>C, p.Arg108Ser (NM_001291726.2); c.477G>C, p.Arg159Ser (NM_001291730.2); c.433-1769G>C (NM_001291733.2); c.433-581G>C (NM_001291732.2, NM_001291728.2); short protein forms R159S, R108S.
Identifiers: ClinVar variation 373161 (VCV000373161.12), dbSNP rs150483675, ClinGen allele CA8533354.

ClinVar aggregate classification (germline): Conflicting classifications of pathogenicity. Review status: criteria provided, conflicting classifications (1 of 4 stars). 4 submissions from 4 submitters: Uncertain significance (2); Likely benign (2). Last evaluated 2025-08-18.

Conditions:
Hyperphosphatasia with impaired intellectual development syndrome 4. Also called: Hyperphosphatasia with intellectual disability syndrome 4; GLYCOSYLPHOSPHATIDYLINOSITOL BIOSYNTHESIS DEFECT 10. Identifiers: Orphanet 247262, MedGen C3810354, MONDO:0014318, OMIM 615716.
Inborn genetic diseases. Identifiers: MedGen C0950123, MeSH D030342.

Allele frequency attached by ClinVar (database versions not stated): ExAC 0.00034; gnomAD 0.00069 and 0.00074; 1000 Genomes Project 30x 0.00062; 1000 Genomes Project 0.00020; ESP Exome Variant Server 0.00071; gnomAD exomes 0.00012; TOPMed 0.00066.
gnomAD v4.1: 178 of 1,551,286 alleles (0.011%); highest among the groups gnomAD compares: African/African-American, 0.24%; no homozygotes.

Submissions (4):

Labcorp Genetics (formerly Invitae), Labcorp
Classification: Likely benign. Last evaluated: 2025-08-18. Review status: criteria provided, single submitter. Criteria: Invitae Variant Classification Sherloc (09022015). Collection method: clinical testing. Allele origin: germline.

Revvity Omics, Revvity
Classification: Uncertain significance for Hyperphosphatasia with impaired intellectual development syndrome 4. Last evaluated: 2022-01-20. Review status: criteria provided, single submitter. Criteria: ACMG Guidelines, 2015. Collection method: clinical testing. Allele origin: germline.

Ambry Genetics
Classification: Likely benign for Inborn genetic diseases. Last evaluated: 2021-10-22. Review status: criteria provided, single submitter. Criteria: Ambry Variant Classification Scheme 2023. Collection method: clinical testing. Allele origin: germline.

GeneDx
Classification: Uncertain significance. Last evaluated: 2016-11-23. Review status: criteria provided, single submitter. Criteria: GeneDx Variant Classification (06012015). Collection method: clinical testing. Allele origin: germline. Affected: yes.
Comment: The R159S variant in the PGAP3 gene has not been reported previously as a pathogenic variant, nor as a benign variant, to our knowledge. The R159S variant was not observed at any significant frequency in approximately 6,500 individuals of European and African American ancestry by the NHLBI Exome Sequencing Project. The R159S variant is a semi-conservative amino acid substitution, which may impact secondary protein structure as these residues differ in some properties. This substitution occurs at a position where amino acids with similar properties to Arginine are tolerated across species. In silico analysis predicts this variant is probably damaging to the protein structure/function. We interpret R159S as a variant of uncertain significance.